The following continues an entry in ClinVar:

NM_020822.3(KCNT1):c.862G>A (p.Gly288Ser)

Gene: KCNT1. ClinVar aggregate classification (germline): Pathogenic. Pathogenic (15).

Submissions 11 to 19 of 19:

Rady Children's Institute for Genomic Medicine, Rady Children's Hospital San Diego
Classification: Pathogenic for KCNT1-Related Epilepsy. Last evaluated: 2019-12-04. Review status: criteria provided, single submitter. Criteria: ACMG Guidelines, 2015. Collection method: clinical testing. Allele origin: germline. Affected: yes.
Comment: This variant is a recurrent gain of function alteration at a CG dinucleotide sequence in the pore region of the KCNT1 channel. The c.862G>A variant has been reported either as a de novo change or with unknown inheritance in several children with typical migrating malignant partial seizures in infancy (MMPSI) (PMID: 24029078, 26122718, 26140313, 30185235, 26993267, 25482562). Severe delayed myelination was reported in three of these patients (PMID: 26597493, 25482562). Two of these children had seizures that were initially resistant to different drugs, and responded to vagus nerve stimulation or clorazepate (PMID: 24029078). The c.862G>A, p.Gly288Ser variant was also identified in a child with autosomal dominant nocturnal frontal lobe epilepsy (ADNFLE) (PMID: 25482562). Other KCNT1 missense variants, including a recurrent c.1283G>A alteration identified in three sporadic cases, are located at CG dinucleotides, suggesting that the CpG dinucleotide at these various KCNT1 positions, may be hot spots for point mutations. Functional characterization of the c.862G>A, p.Gly288Ser alteration using heterologous systems showed an increased KCNT1 current (PMID: 26784557, 25482562). The c.862G>A, p.Gly288Ser is absent from the ExAC and gnomAD population databases and thus is presumed to be rare. In addition, it affects a highly conserved amino acid and is predicted to have a deleterious effect on protein function by the majority of in silico tools used for the analysis. The c.862G>A, p.Gly288Ser variant is reported in ClinVar (Variation ID: 126421). Based on the available evidence, the c.862G>A, p.Gly288Ser variant is classified as Pathogenic.

Baylor Genetics
Classification: Pathogenic for Developmental and epileptic encephalopathy, 14. Last evaluated: 2017-09-01. Review status: criteria provided, single submitter. Criteria: ACMG Guidelines, 2015. Collection method: clinical testing. Allele origin: de novo. Inheritance: Autosomal dominant inheritance. Affected: yes.
Comment: This mutation has been previously reported as disease-causing and was found twice in our laboratory de novo in individuals with infantile onset epileptic encephalopathy

Center for Genomics, Ann and Robert H. Lurie Children's Hospital of Chicago
Classification: Pathogenic for Developmental and epileptic encephalopathy, 14; Autosomal dominant nocturnal frontal lobe epilepsy 5. Review status: criteria provided, single submitter. Criteria: ACMG Guidelines, 2015. Collection method: clinical testing. Allele origin: germline.
Comment: KCNT1 NM_020822.2 exon 11 p.Gly288Ser (c.862G>A): This variant has been reported in the literature in multiple individuals affected with epilepsy including MMPSI, ADNFLE and hypomyelinating leukodystrophy, several of whom were reported to be de novo (Selected publications: Ishii 2013 PMID:24029708, Kim 2014 PMID:25482562, Arai-Ichinoi 2016 PMID:26597493, Rizzo 2016 PMID:26784557, Liu 2018 PMID:30185235, Routier 2019 PMID:31170314).This variant is not present in large control database but is present in ClinVar, with several labs classifying this variant as pathogenic (Variation ID:126421). Evolutionary conservation supports that this variant may impact the protein; computational predictive tools are unclear. Additionally, in vitro functional studies also suggest that this variant will impact the protein's activity (Kim 2014 PMID:25482562, Rizzo 2016 PMID:26784557). In summary, this variant is classified as pathogenic based on the data above

Cytogénomique, Hospices Civils de Lyon
Classification: Pathogenic for Developmental and epileptic encephalopathy, 14. Review status: criteria provided, single submitter. Criteria: ACMG Guidelines, 2015. Collection method: clinical testing. Allele origin: de novo. Inheritance: Autosomal dominant inheritance. Affected: yes.

Suma Genomics
Classification: Pathogenic for Developmental and epileptic encephalopathy, 14; Autosomal dominant nocturnal frontal lobe epilepsy 5. Review status: criteria provided, single submitter. Criteria: ACMG Guidelines, 2015. Collection method: clinical testing. Allele origin: unknown. Inheritance: Autosomal dominant inheritance. Affected: yes.

OMIM
Classification: Pathogenic for DEVELOPMENTAL AND EPILEPTIC ENCEPHALOPATHY 14. Last evaluated: 2013-12-01. Review status: no assertion criteria provided. Collection method: literature only. Allele origin: germline. Not counted in ClinVar's aggregate classification.

Genome Diagnostics Laboratory, University Medical Center Utrecht
Classification: Pathogenic. Review status: no assertion criteria provided. Collection method: clinical testing. Allele origin: germline. Affected: yes. Study: VKGL Data-share Consensus. Not counted in ClinVar's aggregate classification.

Hong-Tao Li Lab, Institute of Brain Science and Brain-inspired Research, Shandong First Medical University & Shandong Academy of Medical Sciences China
Classification: Pathogenic for Developmental and epileptic encephalopathy, 14. Review status: no assertion criteria provided. Collection method: research. Allele origin: germline. Inheritance: Autosomal dominant inheritance. Affected: yes. Observed: 1 variant allele, 1 heterozygote. Not counted in ClinVar's aggregate classification.
Comment: Observed in affected individuals from a Pakistani neurodevelopmental-disorder research cohort of 263 individuals. Classification assigned using the ACMG/AMP framework.

Joint Genome Diagnostic Labs from Nijmegen and Maastricht, Radboudumc and MUMC+
Classification: Pathogenic. Review status: no assertion criteria provided. Collection method: clinical testing. Allele origin: germline. Affected: yes. Study: VKGL Data-share Consensus. Not counted in ClinVar's aggregate classification.

Literature cited by the submitters: PubMed 24029078 (cited by 4 submitters); PubMed 26122718 (cited by Labcorp Genetics (formerly Invitae), Labcorp); PubMed 26140313 (cited by Labcorp Genetics (formerly Invitae), Labcorp and Victorian Clinical Genetics Services, Murdoch Childrens Research Institute); PubMed 26597493 (cited by Labcorp Genetics (formerly Invitae), Labcorp); PubMed 26784557 (cited by 3billion and Victorian Clinical Genetics Services, Murdoch Childrens Research Institute); PubMed 25326635 (cited by Baylor Genetics).